The following is an entry in ClinVar:

ClinVar aggregate classification (germline): Uncertain significance (1 of 4 stars; one submission).

Conditions:
Hereditary cancer-predisposing syndrome. Also called: Tumor predisposition; Hereditary Cancer Syndrome; Neoplastic Syndromes, Hereditary; Hereditary neoplastic syndrome. Identifiers: Orphanet 140162, MedGen C0027672, MeSH D009386, MONDO:0015356.

Submission:

Ambry Genetics
Classification: Uncertain significance for Hereditary cancer-predisposing syndrome. Last evaluated: 2021-12-21. Review status: criteria provided, single submitter. Criteria: Ambry Variant Classification Scheme 2023. Collection method: clinical testing. Allele origin: germline.
Comment: The p.S295R variant (also known as c.885T>G), located in coding exon 8 of the APC gene, results from a T to G substitution at nucleotide position 885. The serine at codon 295 is replaced by arginine, an amino acid with dissimilar properties. This amino acid position is not well conserved in available vertebrate species. In addition, in silico predictors for this gene do not accurately predict pathogenicity. Since supporting evidence is limited at this time, the clinical significance of this alteration remains unclear.

NM_000038.6(APC):c.885T>G (p.Ser295Arg)

Gene: APC (APC regulator of Wnt signaling pathway; plus strand). Cytogenetic location: 5q22.2.
Variant type: single nucleotide variant.
Coding change: c.885T>G on transcript NM_000038.6 (MANE Select); coding-DNA position 885, T replaced by G.
Protein change: p.Ser295Arg; replaces serine 295 with arginine.
Molecular consequence: missense variant.
Genome position (GRCh38, 1-based): chr5:112,815,545, T>G. VCF-style: chr5-112815545-T-G. GRCh37 (hg19) VCF-style: chr5-112151242-T-G.
Other names: c.885T>G, p.Ser295Arg (NM_001127510.3, NM_001354895.2, NM_001354896.2 and 1 more transcripts); c.831T>G, p.Ser277Arg (NM_001127511.3); c.915T>G, p.Ser305Arg (NM_001354897.2, NM_001354902.2); c.810T>G, p.Ser270Arg (NM_001354898.2, NM_001354904.2); c.801T>G, p.Ser267Arg (NM_001354899.2); c.708T>G, p.Ser236Arg (NM_001354900.2, NM_001354901.2, NM_001354905.2); c.36T>G, p.Ser12Arg (NM_001354906.2); short protein forms S305R, S12R, S267R, S277R, S295R, S236R, S270R.
Identifiers: ClinVar variation 822781 (VCV000822781.4), dbSNP rs1580512009, ClinGen allele CA16023253.